The following is an entry in ClinVar:

ClinVar aggregate classification (germline): Pathogenic, low penetrance (1 of 4 stars; one submission).

Conditions:
Atypical hemolytic-uremic syndrome. Identifiers: Orphanet 2134, MedGen C2931788, MONDO:0016244.

Submission:

Genomenon, Inc
Classification: Pathogenic, low penetrance for Atypical hemolytic-uremic syndrome. Last evaluated: 2025-10-02. Review status: criteria provided, single submitter. Criteria: Genomenon Sequence Variant Interpretation Standards. Collection method: curation. Allele origin: germline. Affected: yes.
Comment: CD46 p.Gly67AspfsTer40 (c.192_193delinsC) is a frameshift variant that results in the production of a truncated protein which is predicted to undergo nonsense-mediated mRNA decay. This variant has been observed in at least one proband affected with atypical hemolytic-uremic syndrome (PMID:33224962). It is absent or not present at a significant frequency in gnomAD. In conclusion, we classify CD46 p.Gly67AspfsTer40 (c.192_193delinsC) as a pathogenic variant.

Literature cited by the submitters: PubMed 33224962.

NM_172351.3(CD46):c.192_193delinsC (p.Gly67fs)

Gene: CD46 (CD46 molecule; plus strand). Cytogenetic location: 1q32.2.
Variant type: Indel.
Coding change: c.192_193delinsC on transcript NM_172351.3 (MANE Select); coding-DNA positions 192 to 193, TA replaced by C.
Protein change: p.Gly67fs; shifts the reading frame from glycine 67.
Molecular consequence: frameshift variant.
Genome position (GRCh38, 1-based): chr1:207,757,108-207,757,109, TA replaced by C. VCF-style: chr1-207757108-TA-C. GRCh37 (hg19) VCF-style: chr1-207930453-TA-C.
Other names: c.192_193delinsC, p.Gly67fs (NM_002389.4, NM_153826.4, NM_172350.3 and 8 more transcripts); short protein forms G67fs.
Identifiers: ClinVar variation 4291249 (VCV004291249.1).